The following is an entry in ClinVar:

ClinVar aggregate classification (germline): Uncertain significance (1 of 4 stars; one submission).

Submission:

Ambry Genetics
Classification: Uncertain significance. Last evaluated: 2022-07-22. Review status: criteria provided, single submitter. Criteria: Ambry Variant Classification Scheme 2023. Collection method: clinical testing. Allele origin: germline.
Comment: The c.3585C>T variant (also known as p.T1195T), located in coding exon 32 of the KIF1B gene, results from a C to T substitution at nucleotide position 3585. This nucleotide substitution does not change the threonine at codon 1195. This nucleotide position is well conserved in available vertebrate species. In silico splice site analysis predicts that this alteration may weaken the native splice acceptor site. Since supporting evidence is limited at this time, the clinical significance of this alteration remains unclear.

NM_001365951.3(KIF1B):c.3723C>T (p.Thr1241=)

Gene: KIF1B (kinesin family member 1B; plus strand). Cytogenetic location: 1p36.22.
Variant type: single nucleotide variant.
Coding change: c.3723C>T on transcript NM_001365951.3 (MANE Select); coding-DNA position 3723, C replaced by T.
Protein change: p.Thr1241=; no amino-acid change (threonine 1241 retained).
Molecular consequence: synonymous variant.
Genome position (GRCh38, 1-based): chr1:10,345,879, C>T. VCF-style: chr1-10345879-C-T. GRCh37 (hg19) VCF-style: chr1-10405937-C-T.
Other names: c.3723C>T, p.Thr1241= (NM_001365952.1); c.3585C>T, p.Thr1195= (NM_015074.3).
Identifiers: ClinVar variation 1732933 (VCV001732933.2), dbSNP rs1054467688, ClinGen allele CA415884444.